The following is an entry in ClinVar:

NM_213599.3(ANO5):c.2563C>T (p.Pro855Ser)

Gene: ANO5 (anoctamin 5; plus strand). Cytogenetic location: 11p14.3.
Variant type: single nucleotide variant.
Coding change: c.2563C>T on transcript NM_213599.3 (MANE Select); coding-DNA position 2563, C replaced by T.
Protein change: p.Pro855Ser; replaces proline 855 with serine.
Molecular consequence: missense variant.
Genome position (GRCh38, 1-based): chr11:22,279,586, C>T. VCF-style: chr11-22279586-C-T. GRCh37 (hg19) VCF-style: chr11-22301132-C-T.
Other names: c.2521C>T, p.Pro841Ser (NM_001410963.1); c.2518C>T, p.Pro840Ser (NM_001410964.1); c.2560C>T, p.Pro854Ser (NM_001142649.2); short protein forms P854S, P841S, P840S, P855S.
Identifiers: ClinVar variation 2926487 (VCV002926487.4), dbSNP rs746829991, ClinGen allele CA379924935.
Genomic context (GRCh38, chr11:22,279,586, plus strand): 5'-CCTTTATATTTCCTCTAGCATGTTGTGTTTTTAGTTAAATTTTTGCTGGCCTGGATGATA[C>T]CTGATGTTCCAAAAGATGTTGTGGAGAGAATCAAGAGAGAAAAGTTAATGACTATCAAGA-3'
Protein context (NP_998764.1, residues 845-865): LVKFLLAWMI[Pro855Ser]DVPKDVVERI

ClinVar aggregate classification (germline): Uncertain significance. Review status: criteria provided, multiple submitters, no conflicts (2 of 4 stars). 2 submissions from 2 submitters: Uncertain significance (2). Last evaluated 2025-09-02.

Conditions:
Autosomal recessive limb-girdle muscular dystrophy type 2L (LGMDR12). Also called: Limb-Girdle Muscular Dystrophy R12 Anoctamin-5-Related (LGMD-R12); MUSCULAR DYSTROPHY, LIMB-GIRDLE, AUTOSOMAL RECESSIVE 12; Limb-girdle muscular dystrophy, type 2L. Identifiers: Orphanet 206549, MedGen C1969785, MONDO:0012652, OMIM 611307.
Gnathodiaphyseal dysplasia (GDD). Also called: GNATHODIAPHYSEAL SCLEROSIS; OSTEOGENESIS IMPERFECTA WITH UNUSUAL SKELETAL LESIONS. Identifiers: Orphanet 53697, MedGen C1833736, MONDO:0008151, OMIM 166260.
Inborn genetic diseases. Identifiers: MedGen C0950123, MeSH D030342.

gnomAD v4.1: 11 of 1,612,650 alleles (0.00068%); highest among the groups gnomAD compares: East Asian, 0.011%; no homozygotes.

Submissions (2):

Labcorp Genetics (formerly Invitae), Labcorp
Classification: Uncertain significance for Autosomal recessive limb-girdle muscular dystrophy type 2L; Gnathodiaphyseal dysplasia. Last evaluated: 2025-09-02. Review status: criteria provided, single submitter. Criteria: Invitae Variant Classification Sherloc (09022015). Collection method: clinical testing. Allele origin: germline.
Comment: This sequence change replaces proline, which is neutral and non-polar, with serine, which is neutral and polar, at codon 855 of the ANO5 protein (p.Pro855Ser). This variant is present in population databases (no rsID available, gnomAD 0.008%). This variant has not been reported in the literature in individuals affected with ANO5-related conditions. ClinVar contains an entry for this variant (Variation ID: 2926487). Invitae Evidence Modeling of protein sequence and biophysical properties (such as structural, functional, and spatial information, amino acid conservation, physicochemical variation, residue mobility, and thermodynamic stability) has been performed for this missense variant. However, the output from this modeling did not meet the statistical confidence thresholds required to predict the impact of this variant on ANO5 protein function. In summary, the available evidence is currently insufficient to determine the role of this variant in disease. Therefore, it has been classified as a Variant of Uncertain Significance.

Ambry Genetics
Classification: Uncertain significance for Inborn genetic diseases. Last evaluated: 2023-10-13. Review status: criteria provided, single submitter. Criteria: Ambry Variant Classification Scheme 2023. Collection method: clinical testing. Allele origin: germline.